The following is an entry in ClinVar:

NM_001199107.2(TBC1D24):c.1490T>C (p.Met497Thr)

Gene: TBC1D24 (TBC1 domain family member 24; plus strand). Cytogenetic location: 16p13.3.
Variant type: single nucleotide variant.
Coding change: c.1490T>C on transcript NM_001199107.2 (MANE Select); coding-DNA position 1490, T replaced by C.
Protein change: p.Met497Thr; replaces methionine 497 with threonine.
Molecular consequence: missense variant.
Genome position (GRCh38, 1-based): chr16:2,500,455, T>C. VCF-style: chr16-2500455-T-C. GRCh37 (hg19) VCF-style: chr16-2550456-T-C.
Other names: p.M491T:ATG>ACG; c.1472T>C, p.Met491Thr (NM_020705.3); short protein forms M491T, M497T.
Identifiers: ClinVar variation 207514 (VCV000207514.23), dbSNP rs367710709, ClinGen allele CA319065.
Genomic context (GRCh38, chr16:2,500,455, plus strand): 5'-ACCGCCTCTCGCCCTTCCTGGCCGCTCGCCACTTCAACCTGCCCTCCAAGACCGAGTCCA[T>C]GTTCATGGCGGGGGGCAGCGACTGCCTCATCGTCGGTGAGCGCCAGCAGACGGGGCTCTG-3'
Protein context (NP_001186036.1, residues 487-507): HFNLPSKTES[Met497Thr]FMAGGSDCLI

ClinVar aggregate classification (germline): Uncertain significance. Review status: criteria provided, multiple submitters, no conflicts (2 of 4 stars). 4 submissions from 4 submitters: Uncertain significance (4). Last evaluated 2024-12-09.

Conditions:
Autosomal dominant nonsyndromic hearing loss 65. Also called: Deafness, autosomal dominant 65; TBC1D24-Related Autosomal Dominant Nonsyndromic Hearing Loss (DFNA). Identifiers: Orphanet 90635, MedGen C3892048, MONDO:0014470, OMIM 616044.
Developmental and epileptic encephalopathy, 1 (DEE1). Also called: Epileptic encephalopathy, early infantile, 1; X-linked infantile spasms; West's syndrome; Tonic spasms with clustering, arrest of psychomotor development and hypsarrhythmia on EEG; X-Linked Infantile Spasm Syndrome; INFANTILE SPASM SYNDROME, X-LINKED 1. Identifiers: MedGen C3463992, MONDO:0010632, OMIM 308350. Disease mechanism: loss of function.
TBC1D24-related disorder. Also called: TBC1D24-related condition; TBC1D24-related disorders. Identifiers: MedGen CN381194.

Allele frequency attached by ClinVar (database versions not stated): ExAC below 0.00001; gnomAD exomes 0.00001; gnomAD 0.00003 and 0.00004; TOPMed 0.00004; ESP Exome Variant Server 0.00008.

Submissions (4):

PreventionGenetics, part of Exact Sciences
Classification: Uncertain significance for TBC1D24-related condition. Last evaluated: 2024-12-09. Review status: criteria provided, single submitter. Criteria: ACMG Guidelines, 2015. Collection method: clinical testing. Allele origin: germline.
Comment: The TBC1D24 c.1490T>C variant is predicted to result in the amino acid substitution p.Met497Thr. To our knowledge, this variant has not been reported in the literature. This variant is reported in 0.0049% of alleles in individuals of African descent in gnomAD. At this time, the clinical significance of this variant is uncertain due to the absence of conclusive functional and genetic evidence.

GeneDx
Classification: Uncertain significance. Last evaluated: 2024-11-08. Review status: criteria provided, single submitter. Criteria: GeneDx Variant Classification Process June 2021. Collection method: clinical testing. Allele origin: germline. Affected: yes.
Comment: Not observed in large population cohorts (gnomAD); In silico analysis supports that this missense variant has a deleterious effect on protein structure/function; Has not been previously published as pathogenic or benign to our knowledge; This variant is associated with the following publications: (PMID: 24291220)

Labcorp Genetics (formerly Invitae), Labcorp
Classification: Uncertain significance for Developmental and epileptic encephalopathy, 1; Autosomal dominant nonsyndromic hearing loss 65. Last evaluated: 2023-11-10. Review status: criteria provided, single submitter. Criteria: Invitae Variant Classification Sherloc (09022015). Collection method: clinical testing. Allele origin: germline.
Comment: This sequence change replaces methionine, which is neutral and non-polar, with threonine, which is neutral and polar, at codon 497 of the TBC1D24 protein (p.Met497Thr). This variant is present in population databases (rs367710709, gnomAD 0.005%). This variant has not been reported in the literature in individuals affected with TBC1D24-related conditions. ClinVar contains an entry for this variant (Variation ID: 207514). Advanced modeling of protein sequence and biophysical properties (such as structural, functional, and spatial information, amino acid conservation, physicochemical variation, residue mobility, and thermodynamic stability) performed at Invitae indicates that this missense variant is expected to disrupt TBC1D24 protein function with a positive predictive value of 80%. In summary, the available evidence is currently insufficient to determine the role of this variant in disease. Therefore, it has been classified as a Variant of Uncertain Significance.

Genetic Services Laboratory, University of Chicago
Classification: Uncertain significance. Last evaluated: 2015-02-06. Review status: criteria provided, single submitter. Criteria: ACMG Guidelines, 2015. Collection method: clinical testing. Allele origin: germline.